The following is an entry in ClinVar:

NM_000218.3(KCNQ1):c.780+11C>T

Gene: KCNQ1 (potassium voltage-gated channel subfamily Q member 1; plus strand). Cytogenetic location: 11p15.5.
Variant type: single nucleotide variant.
Coding change: c.780+11C>T on transcript NM_000218.3 (MANE Select); 11 bases into the intron after coding-DNA position 780, C replaced by T.
Molecular consequence: intron variant.
Genome position (GRCh38, 1-based): chr11:2,572,120, C>T. VCF-style: chr11-2572120-C-T. GRCh37 (hg19) VCF-style: chr11-2593350-C-T.
Other names: c.510+11C>T (NM_001406837.1); c.780+11C>T (NM_001406836.1); c.478-11315C>T (NM_001406838.1); c.399+11C>T (NM_181798.2).
Identifiers: ClinVar variation 378016 (VCV000378016.11), dbSNP rs201316912, ClinGen allele CA040354.

ClinVar aggregate classification (germline): Likely benign. Review status: criteria provided, multiple submitters, no conflicts (2 of 4 stars). 3 submissions from 3 submitters: Likely benign (3). Last evaluated 2025-12-20.

Conditions:
Long QT syndrome (LQTS). Identifiers: MedGen C0023976, MeSH D008133, MONDO:0002442. Disease mechanism: loss of function. Inheritance: Various modes of inheritance.

Allele frequency attached by ClinVar (database versions not stated): gnomAD 0.00006 and 0.00007; TOPMed 0.00006; gnomAD exomes 0.00011 and 0.00012; ExAC 0.00019; 1000 Genomes Project 0.00020; 1000 Genomes Project 30x 0.00031.
gnomAD v4.1: 168 of 1,606,006 alleles (0.01%); highest among the groups gnomAD compares: Middle Eastern, 0.033%; no homozygotes.

Submissions (3):

Labcorp Genetics (formerly Invitae), Labcorp
Classification: Likely benign for Long QT syndrome. Last evaluated: 2025-12-20. Review status: criteria provided, single submitter. Criteria: Invitae Variant Classification Sherloc (09022015). Collection method: clinical testing. Allele origin: germline.

Blueprint Genetics
Classification: Likely benign. Last evaluated: 2023-01-23. Review status: criteria provided, single submitter. Criteria: ACMG Guidelines, 2015. Collection method: clinical testing. Allele origin: germline.

GeneDx
Classification: Likely benign. Last evaluated: 2016-07-21. Review status: criteria provided, single submitter. Criteria: GeneDx Variant Classification (06012015). Collection method: clinical testing. Allele origin: germline. Affected: yes.
Comment: This variant is considered likely benign or benign based on one or more of the following criteria: it is a conservative change, it occurs at a poorly conserved position in the protein, it is predicted to be benign by multiple in silico algorithms, and/or has population frequency not consistent with disease.